The following is an entry in ClinVar:

NM_000533.5(PLP1):c.742G>A (p.Ala248Thr)

Genes: PLP1 (proteolipid protein 1; plus strand), RAB9B (RAB9B, member RAS oncogene family; minus strand). Cytogenetic location: Xq22.2.
Variant type: single nucleotide variant.
Coding change: c.742G>A on transcript NM_000533.5 (MANE Select); coding-DNA position 742, G replaced by A.
Protein change: p.Ala248Thr; replaces alanine 248 with threonine.
Molecular consequence: missense variant.
Genome position (GRCh38, 1-based): chrX:103,789,378, G>A. VCF-style: chrX-103789378-G-A. GRCh37 (hg19) VCF-style: chrX-103044307-G-A.
Other names: c.742G>A, p.Ala248Thr (NM_001128834.3); c.577G>A, p.Ala193Thr (NM_001305004.1); c.637G>A, p.Ala213Thr (NM_199478.3); short protein forms A193T, A213T, A248T.
Identifiers: ClinVar variation 1309900 (VCV001309900.3), dbSNP rs2147768049, ClinGen allele CA414104655.

ClinVar aggregate classification (germline): Uncertain significance. Review status: criteria provided, multiple submitters, no conflicts (2 of 4 stars). 2 submissions from 2 submitters: Uncertain significance (2). Last evaluated 2025-09-17.

Conditions:
Pelizaeus-Merzbacher disease. Also called: LEUKODYSTROPHY, HYPOMYELINATING, 1; Sudanophilic leukodystrophy; Pelizaeus-Merzbacher spectrum disorder; Pelizaeus-Merzbacher Disease (PMD); Pelizeaus-Merzbacher spectrum disorder. Identifiers: Orphanet 702, MedGen C0205711, MONDO:0010714, OMIM 312080, HP:0003269.

Submissions (2):

3billion
Classification: Uncertain significance for Pelizaeus-Merzbacher disease. Last evaluated: 2025-09-17. Review status: criteria provided, single submitter. Criteria: ACMG Guidelines, 2015. Collection method: clinical testing. Allele origin: germline. Affected: yes.
Comment: The variant is not observed in the gnomAD v4.1.0 dataset. Predicted Consequence/Location: Missense variant In silico tool predictions suggest damaging effect of the variant on gene or gene product [REVEL: 0.77 (>=0.6, sensitivity 0.68 and specificity 0.92); 3Cnet: 0.99 (> 0.75, sensitivity 0.96 and precision 0.92)]. Different missense changes at the same codon (p.Ala248Glu, p.Ala248Ser) have been reported as pathogenic/likely pathogenic with strong evidence (ClinVar ID: VCV000931338, VCV003777336 /PMID: None). Therefore, this variant is classified as VUS according to the recommendation of ACMG/AMP guideline.

GeneDx
Classification: Uncertain significance. Last evaluated: 2019-11-16. Review status: criteria provided, single submitter. Criteria: GeneDx Variant Classification Process June 2021. Collection method: clinical testing. Allele origin: germline. Affected: yes.
Comment: Not observed in large population cohorts (Lek et al., 2016); In silico analysis, which includes protein predictors and evolutionary conservation, supports that this variant does not alter protein structure/function; Has not been previously published as pathogenic or benign to our knowledge